The following is an entry in ClinVar:

NM_006161.3(NEUROG1):c.401T>G (p.Leu134Arg)

Gene: NEUROG1 (neurogenin 1; minus strand). Cytogenetic location: 5q31.1.
Variant type: single nucleotide variant.
Coding change: c.401T>G on transcript NM_006161.3 (MANE Select); coding-DNA position 401, T replaced by G.
Protein change: p.Leu134Arg; replaces leucine 134 with arginine.
Molecular consequence: missense variant.
Genome position (GRCh38, 1-based): chr5:135,535,290, A>C on the plus strand (T>G on the coding strand, the complement: NEUROG1 is on the minus strand). VCF-style: chr5-135535290-A-C. GRCh37 (hg19) VCF-style: chr5-134870980-A-C.
Other names: short protein forms L134R.
Identifiers: ClinVar variation 4292386 (VCV004292386.1).

ClinVar aggregate classification (germline): Uncertain significance (1 of 4 stars; one submission).

Conditions:
Cranial dysinnervation disorder, congenital, with absent corneal reflex and developmental delay (CCDDRD). Identifiers: MedGen C5882675, MONDO:0957563, OMIM 620469.

Submission:

3billion
Classification: Uncertain significance for Cranial dysinnervation disorder, congenital, with absent corneal reflex and developmental delay. Last evaluated: 2024-08-21. Review status: criteria provided, single submitter. Criteria: ACMG Guidelines, 2015. Collection method: clinical testing. Allele origin: germline. Affected: yes.
Comment: The variant is not observed in the gnomAD v4.0.0 dataset. Predicted Consequence/Location: Missense variant In silico tool predictions suggest damaging effect of the variant on gene or gene product [REVEL: 0.97 (>=0.6, sensitivity 0.68 and specificity 0.92)]. Therefore, this variant is classified as VUS according to the recommendation of ACMG/AMP guideline.